The following is an entry in ClinVar:

ClinVar aggregate classification (germline): Uncertain significance (1 of 4 stars; one submission).

Conditions:
Amyloidosis, hereditary systemic 1 (AMYLD1). Also called: Familial amyloid polyneuropathy; Transthyretin Amyloidosis; Hereditary Transthyretin Amyloidosis; AMYLOID CARDIOMYOPATHY; Hereditary oculoleptomeningeal amyloid angiopathy; Familial Transthyretin Amyloidosis. Identifiers: Orphanet 85447, Orphanet 85451, MedGen C2751492, MONDO:0971004, OMIM 105210.

Submission:

Labcorp Genetics (formerly Invitae), Labcorp
Classification: Uncertain significance for Amyloidosis, hereditary systemic 1. Last evaluated: 2025-09-03. Review status: criteria provided, single submitter. Criteria: Invitae Variant Classification Sherloc (09022015). Collection method: clinical testing. Allele origin: germline.
Comment: This sequence change replaces alanine, which is neutral and non-polar, with glutamic acid, which is acidic and polar, at codon 111 of the TTR protein (p.Ala111Glu). This variant is not present in population databases (gnomAD no frequency). This variant has not been reported in the literature in individuals affected with TTR-related conditions. Invitae Evidence Modeling of protein sequence and biophysical properties (such as structural, functional, and spatial information, amino acid conservation, physicochemical variation, residue mobility, and thermodynamic stability) indicates that this missense variant is expected to disrupt TTR protein function with a positive predictive value of 95%. In summary, the available evidence is currently insufficient to determine the role of this variant in disease. Therefore, it has been classified as a Variant of Uncertain Significance.

NM_000371.4(TTR):c.332C>A (p.Ala111Glu)

Gene: TTR (transthyretin; plus strand). Cytogenetic location: 18q12.1.
Variant type: single nucleotide variant.
Coding change: c.332C>A on transcript NM_000371.4 (MANE Select); coding-DNA position 332, C replaced by A.
Protein change: p.Ala111Glu; replaces alanine 111 with glutamic acid.
Molecular consequence: missense variant.
Genome position (GRCh38, 1-based): chr18:31,595,251, C>A. VCF-style: chr18-31595251-C-A. GRCh37 (hg19) VCF-style: chr18-29175214-C-A.
Other names: short protein forms A111E.
Identifiers: ClinVar variation 4809864 (VCV004809864.1).